The following is an entry in ClinVar:

NM_198503.5(KCNT2):c.2321T>C (p.Val774Ala)

Gene: KCNT2 (potassium sodium-activated channel subfamily T member 2; minus strand). Cytogenetic location: 1q31.3.
Variant type: single nucleotide variant.
Coding change: c.2321T>C on transcript NM_198503.5 (MANE Select); coding-DNA position 2321, T replaced by C.
Protein change: p.Val774Ala; replaces valine 774 with alanine.
Molecular consequence: missense variant. On other transcripts: non-coding transcript variant (1), intron variant (2).
Genome position (GRCh38, 1-based): chr1:196,319,511, A>G on the plus strand (T>C on the coding strand, the complement: KCNT2 is on the minus strand). VCF-style: chr1-196319511-A-G. GRCh37 (hg19) VCF-style: chr1-196288641-A-G.
Other names: c.2127-3485T>C (NM_001287820.3); c.2277-3485T>C (NM_001287819.3); short protein forms V774A.
Identifiers: ClinVar variation 4084993 (VCV004084993.8).
Genomic context (GRCh38, chr1:196,319,511, plus strand): 5'-ACTAGTTAGTGTGCCAAAGATTTTGTCACCTACTTGTCAATAGAGCCCACCATGTAGTAA[A>G]CCATTGGAAACCAACAGATTGCATCCAGAAAATGCATATCTGGCCTAAGTAGTAGATGGG-3'
Protein context (NP_940905.2, residues 764-784): FLDAICWFPM[Val774Ala]YYMVGSIDNL

ClinVar aggregate classification (germline): Uncertain significance (1 of 4 stars; one submission).

Submission:

CeGaT Center for Human Genetics Tuebingen
Classification: Uncertain significance. Last evaluated: 2025-10-01. Review status: criteria provided, single submitter. Criteria: CeGaT Center For Human Genetics Tuebingen Variant Classification Criteria Version 2. Collection method: clinical testing. Allele origin: germline. Affected: yes. Observed: 2 variant alleles.
Comment: KCNT2: PM2, PP3